The following is an entry in ClinVar:

ClinVar aggregate classification (germline): Uncertain significance. Review status: criteria provided, multiple submitters, no conflicts (2 of 4 stars). 2 submissions from 2 submitters: Uncertain significance (2). Last evaluated 2024-10-23.

Allele frequency attached by ClinVar (database versions not stated): gnomAD exomes below 0.00001 and 0.00001; ExAC 0.00001; gnomAD 0.00001; TOPMed 0.00002.

Submissions (2):

Blueprint Genetics
Classification: Uncertain significance. Last evaluated: 2024-10-23. Review status: criteria provided, single submitter. Criteria: ACMG Guidelines, 2015. Collection method: clinical testing. Allele origin: germline.

Women's Health and Genetics/Laboratory Corporation of America, LabCorp
Classification: Uncertain significance. Last evaluated: 2024-01-23. Review status: criteria provided, single submitter. Criteria: LabCorp Variant Classification Summary - May 2015. Collection method: clinical testing. Allele origin: germline.
Comment: Variant summary: OBSL1 c.5590dupA (p.Ser1864LysfsX6) results in a premature termination codon, predicted to cause a truncation of the encoded protein, however significance of variants in this region is unclear . The variant allele was found at a frequency of 4.1e-06 in 242380 control chromosomes. The available data on variant occurrences in the general population are insufficient to allow any conclusion about variant significance. To our knowledge, no occurrence of c.5590dupA in individuals affected with Three M Syndrome 2 and no experimental evidence demonstrating its impact on protein function have been reported. ClinVar contains an entry for this variant (Variation ID: 1331376). Based on the evidence outlined above, the variant was classified as uncertain significance.

NM_015311.3(OBSL1):c.5590dup (p.Ser1864fs)

Gene: OBSL1 (obscurin like cytoskeletal adaptor 1; minus strand). Cytogenetic location: 2q35.
Variant type: Duplication.
Coding change: c.5590dup on transcript NM_015311.3 (MANE Select); coding-DNA position 5590, one base duplicated (A; older notation c.5590dupA).
Protein change: p.Ser1864fs; shifts the reading frame from serine 1864.
Molecular consequence: frameshift variant.
Genome position (GRCh38, 1-based): chr2:219,551,622, T duplicated on the plus strand (A on the coding strand, the reverse complement: OBSL1 is on the minus strand). VCF-style (leftmost placement, unchanged base first): chr2-219551621-C-CT. GRCh37 (hg19) VCF-style: chr2-220416343-C-CT.
Other names: c.5590dupA (NM_015311.3); short protein forms S1864fs.
Identifiers: ClinVar variation 1331376 (VCV001331376.4), dbSNP rs750568728, ClinGen allele CA2130182.